The following is an entry in ClinVar:

NM_000138.5(FBN1):c.3724T>C (p.Cys1242Arg)

Gene: FBN1 (fibrillin 1; minus strand). Cytogenetic location: 15q21.1.
Variant type: single nucleotide variant.
Coding change: c.3724T>C on transcript NM_000138.5 (MANE Select); coding-DNA position 3724, T replaced by C.
Protein change: p.Cys1242Arg; replaces cysteine 1242 with arginine.
Molecular consequence: missense variant.
Genome position (GRCh38, 1-based): chr15:48,483,932, A>G on the plus strand (T>C on the coding strand, the complement: FBN1 is on the minus strand). VCF-style: chr15-48483932-A-G. GRCh37 (hg19) VCF-style: chr15-48776129-A-G.
Other names: short protein forms C1242R.
Identifiers: ClinVar variation 1454772 (VCV001454772.8), dbSNP rs2141289747, ClinGen allele CA392324186.

ClinVar aggregate classification (germline): Pathogenic (1 of 4 stars; one submission).

Conditions:
Marfan syndrome (MFS). Also called: MARFAN SYNDROME, TYPE I; Marfan syndrome type 1; Marfan's syndrome; Marfan syndrome, classic; FBN1-Related Marfan Syndrome. Identifiers: Orphanet 284963, Orphanet 558, MedGen C0024796, MONDO:0007947, OMIM 154700.
Familial thoracic aortic aneurysm and aortic dissection (TAAD). Also called: Thoracic aortic aneurysms and dissections. Identifiers: Orphanet 91387, MedGen C4707243, MONDO:0019625.

Submission:

Labcorp Genetics (formerly Invitae), Labcorp
Classification: Pathogenic for Marfan syndrome; Familial thoracic aortic aneurysm and aortic dissection. Last evaluated: 2022-11-22. Review status: criteria provided, single submitter. Criteria: Invitae Variant Classification Sherloc (09022015). Collection method: clinical testing. Allele origin: germline.
Comment: For these reasons, this variant has been classified as Pathogenic. This variant disrupts the p.Cys1242 amino acid residue in FBN1. Other variant(s) that disrupt this residue have been observed in individuals with FBN1-related conditions (PMID: 10486319, 27906200, 31098894), which suggests that this may be a clinically significant amino acid residue. This variant affects a cysteine residue in the EGF-like, TGFBP or hybrid motif domains of FBN1. Cysteine residues are believed to be involved in intramolecular disulfide bridges and have been shown to be important for FBN1 protein structure (PMID: 16905551, 19349279). In addition, missense substitutions affecting cysteine residues within these domains are significantly overrepresented among patients with Marfan syndrome (PMID: 16571647, 17701892). Advanced modeling of protein sequence and biophysical properties (such as structural, functional, and spatial information, amino acid conservation, physicochemical variation, residue mobility, and thermodynamic stability) performed at Invitae indicates that this missense variant is expected to disrupt FBN1 protein function. ClinVar contains an entry for this variant (Variation ID: 1454772). This missense change has been observed in individual(s) with clinical features of Marfan syndrome (Invitae). This variant is not present in population databases (gnomAD no frequency). This sequence change replaces cysteine, which is neutral and slightly polar, with arginine, which is basic and polar, at codon 1242 of the FBN1 protein (p.Cys1242Arg).

Literature cited by the submitters: PubMed 10486319; PubMed 27906200; PubMed 31098894; PubMed 16905551; PubMed 19349279; PubMed 16571647; PubMed 17701892.